The following is an entry in ClinVar:

NM_001041.4(SI):c.3080dup (p.Asn1027fs)

Gene: SI (sucrase-isomaltase; minus strand). Cytogenetic location: 3q26.1.
Variant type: Duplication.
Coding change: c.3080dup on transcript NM_001041.4 (MANE Select); coding-DNA position 3080, one base duplicated (A; older notation c.3080dupA).
Protein change: p.Asn1027fs; shifts the reading frame from asparagine 1027.
Molecular consequence: frameshift variant.
Genome position (GRCh38, 1-based): chr3:165,023,589, T duplicated on the plus strand (A on the coding strand, the reverse complement: SI is on the minus strand); the first of 5 consecutive T bases (chr3:165,023,589-165,023,593); duplicating any one gives the same sequence. VCF-style (leftmost placement, unchanged base first): chr3-165023588-A-AT. GRCh37 (hg19) VCF-style: chr3-164741376-A-AT.
Other names: short protein forms N1027fs.
Identifiers: ClinVar variation 1909508 (VCV001909508.5), dbSNP rs763342449, ClinGen allele CA2690401.

ClinVar aggregate classification (germline): Pathogenic (1 of 4 stars; one submission).

Submission:

Labcorp Genetics (formerly Invitae), Labcorp
Classification: Pathogenic. Last evaluated: 2025-09-22. Review status: criteria provided, single submitter. Criteria: Invitae Variant Classification Sherloc (09022015). Collection method: clinical testing. Allele origin: germline.
Comment: This sequence change creates a premature translational stop signal (p.Asn1027Lysfs*2) in the SI gene. It is expected to result in an absent or disrupted protein product. Loss-of-function variants in SI are known to be pathogenic (PMID: 16329100, 23103650, 25452324). This variant is present in population databases (rs763342449, gnomAD 0.0009%). This variant has not been reported in the literature in individuals affected with SI-related conditions. ClinVar contains an entry for this variant (Variation ID: 1909508). Algorithms developed to predict the effect of sequence changes on RNA splicing suggest that this variant may disrupt the consensus splice site. For these reasons, this variant has been classified as Pathogenic.

Literature cited by the submitters: PubMed 16329100; PubMed 23103650; PubMed 25452324.